The following is an entry in ClinVar:

NM_000719.7(CACNA1C):c.2409G>T (p.Lys803Asn)

Gene: CACNA1C (calcium voltage-gated channel subunit alpha1 C; plus strand). Cytogenetic location: 12p13.33.
Variant type: single nucleotide variant.
Coding change: c.2409G>T on transcript NM_000719.7 (MANE Select); coding-DNA position 2409, G replaced by T.
Protein change: p.Lys803Asn; replaces lysine 803 with asparagine.
Molecular consequence: missense variant.
Genome position (GRCh38, 1-based): chr12:2,585,445, G>T. VCF-style: chr12-2585445-G-T. GRCh37 (hg19) VCF-style: chr12-2694611-G-T.
Other names: c.2409G>T, p.Lys803Asn (NM_001129827.2, NM_001129829.2, NM_001129830.3 and 18 more transcripts); c.2400G>T, p.Lys800Asn (NM_001129844.2); short protein forms K800N, K803N.
Identifiers: ClinVar variation 1803156 (VCV001803156.3), dbSNP rs2515455372, ClinGen allele CA383371760.

ClinVar aggregate classification (germline): Uncertain significance. Review status: criteria provided, multiple submitters, no conflicts (2 of 4 stars). 2 submissions from 2 submitters: Uncertain significance (2). Last evaluated 2026-05-24.

Conditions:
Cardiovascular phenotype. Identifiers: MedGen CN230736.
Brugada syndrome 3 (BRGDA3). Identifiers: Orphanet 130, MedGen C2678478, MONDO:0012742, OMIM 611875.

Allele frequency attached by ClinVar (database versions not stated): gnomAD exomes below 0.00001.
gnomAD v4.1: 2 of 1,600,282 alleles (0.00012%); highest among the groups gnomAD compares: Non-Finnish European, 0.00017%; no homozygotes.

Submissions (2):

Ambry Genetics
Classification: Uncertain significance for Cardiovascular phenotype. Last evaluated: 2026-05-24. Review status: criteria provided, single submitter. Criteria: Ambry Variant Classification Scheme 2023. Collection method: clinical testing. Allele origin: germline.
Comment: The p.K803N variant (also known as c.2409G>T), located in coding exon 17 of the CACNA1C gene, results from a G to T substitution at nucleotide position 2409. The lysine at codon 803 is replaced by asparagine, an amino acid with similar properties. This amino acid position is conserved. In addition, the in silico prediction for this alteration is inconclusive. Based on the available evidence, the clinical significance of this variant remains unclear.

Genetics and Molecular Pathology, SA Pathology
Classification: Uncertain significance for Brugada syndrome 3. Last evaluated: 2021-10-25. Review status: criteria provided, single submitter. Criteria: ACMG Guidelines, 2015. Collection method: clinical testing. Allele origin: germline. Affected: yes.